The following is an entry in ClinVar:

NM_015335.5(MED13L):c.3961C>T (p.Gln1321Ter)

Gene: MED13L (mediator complex subunit 13L; minus strand). Cytogenetic location: 12q24.21.
Variant type: single nucleotide variant.
Coding change: c.3961C>T on transcript NM_015335.5 (MANE Select); coding-DNA position 3961, C replaced by T.
Protein change: p.Gln1321Ter; replaces glutamine 1321 with a stop codon.
Molecular consequence: nonsense.
Genome position (GRCh38, 1-based): chr12:115,987,262, G>A on the plus strand (C>T on the coding strand, the complement: MED13L is on the minus strand). VCF-style: chr12-115987262-G-A. GRCh37 (hg19) VCF-style: chr12-116425067-G-A.
Other names: short protein forms Q1321*.
Identifiers: ClinVar variation 2498569 (VCV002498569.28), dbSNP rs2499842872, ClinGen allele CA386885490.
Genomic context (GRCh38, chr12:115,987,262, plus strand): 5'-TCTTTTGGATGGCATCTTGGAGAAAGGGCTGCAGGGACAACAGCATACGAACCACATCCT[G>A]GGAGGAGAGCATGCTGATGTCCAGCACTGGAAGAGAAGTGAGAAGAAACAGAGAAGATAA-3'

ClinVar aggregate classification (germline): Pathogenic (1 of 4 stars; one submission).

Submission:

CeGaT Center for Human Genetics Tuebingen
Classification: Pathogenic. Last evaluated: 2023-11-01. Review status: criteria provided, single submitter. Criteria: CeGaT Center For Human Genetics Tuebingen Variant Classification Criteria Version 2. Collection method: clinical testing. Allele origin: germline. Affected: yes. Observed: 1 variant allele.
Comment: MED13L: PVS1, PM2, PM6